The following is an entry in ClinVar:

NM_014000.3(VCL):c.565G>A (p.Val189Met)

Gene: VCL (vinculin; plus strand). Cytogenetic location: 10q22.2.
Variant type: single nucleotide variant.
Coding change: c.565G>A on transcript NM_014000.3 (MANE Select); coding-DNA position 565, G replaced by A.
Protein change: p.Val189Met; replaces valine 189 with methionine.
Molecular consequence: missense variant.
Genome position (GRCh38, 1-based): chr10:74,072,795, G>A. VCF-style: chr10-74072795-G-A. GRCh37 (hg19) VCF-style: chr10-75832553-G-A.
Other names: c.565G>A, p.Val189Met (NM_003373.4); short protein forms V189M.
Identifiers: ClinVar variation 222887 (VCV000222887.8), dbSNP rs151045204, ClinGen allele CA353999.

ClinVar aggregate classification (germline): Uncertain significance. Review status: criteria provided, multiple submitters, no conflicts (2 of 4 stars). 2 submissions from 2 submitters: Uncertain significance (2). Last evaluated 2026-02-05.

Conditions:
Cardiovascular phenotype. Identifiers: MedGen CN230736.
Dilated cardiomyopathy 1W (CMD1W). Identifiers: Orphanet 154, MedGen C1969639, MONDO:0012667, OMIM 611407.

gnomAD v4.1: 12 of 1,614,180 alleles (0.00074%); highest among the groups gnomAD compares: Non-Finnish European, 0.001%; no homozygotes.

Submissions (2):

Ambry Genetics
Classification: Uncertain significance for Cardiovascular phenotype. Last evaluated: 2026-02-05. Review status: criteria provided, single submitter. Criteria: Ambry Variant Classification Scheme 2023. Collection method: clinical testing. Allele origin: germline.
Comment: The p.V189M variant (also known as c.565G>A), located in coding exon 5 of the VCL gene, results from a G to A substitution at nucleotide position 565. The valine at codon 189 is replaced by methionine, an amino acid with highly similar properties. This variant was reported in individual(s) with features consistent with dilated cardiomyopathy (Verdonschot JAJ et al. Circ Genom Precis Med. 2020 Oct;13(5):476-487). This amino acid position is highly conserved in available vertebrate species. In addition, this alteration is predicted to be tolerated by in silico analysis. Based on the available evidence, the clinical significance of this variant remains unclear.

Labcorp Genetics (formerly Invitae), Labcorp
Classification: Uncertain significance for Dilated cardiomyopathy 1W. Last evaluated: 2021-08-24. Review status: criteria provided, single submitter. Criteria: Invitae Variant Classification Sherloc (09022015). Collection method: clinical testing. Allele origin: germline.

Literature cited by the submitters: PubMed 32880476 (cited by Ambry Genetics).